The following is an entry in ClinVar:

NM_000222.3(KIT):c.867G>C (p.Met289Ile)

Gene: KIT (KIT proto-oncogene, receptor tyrosine kinase; plus strand). Cytogenetic location: 4q12.
Variant type: single nucleotide variant.
Coding change: c.867G>C on transcript NM_000222.3 (MANE Select); coding-DNA position 867, G replaced by C.
Protein change: p.Met289Ile; replaces methionine 289 with isoleucine.
Molecular consequence: missense variant.
Genome position (GRCh38, 1-based): chr4:54,703,834, G>C. VCF-style: chr4-54703834-G-C. GRCh37 (hg19) VCF-style: chr4-55570000-G-C.
Other names: c.867G>C, p.Met289Ile (NM_001093772.2, NM_001385285.1, NM_001385286.1); c.870G>C, p.Met290Ile (NM_001385284.1, NM_001385288.1, NM_001385290.1 and 1 more transcripts); short protein forms M289I, M290I.
Identifiers: ClinVar variation 857368 (VCV000857368.14), dbSNP rs1297145844, ClinGen allele CA356899973.

ClinVar aggregate classification (germline): Conflicting classifications of pathogenicity. Review status: criteria provided, conflicting classifications (1 of 4 stars). 3 submissions from 3 submitters: Uncertain significance (2); Benign (1). Last evaluated 2024-08-19.

Conditions:
Gastrointestinal stromal tumor. Also called: Gastrointestinal stromal tumor, somatic; Gastrointestinal stroma tumor. Identifiers: Orphanet 44890, MedGen C0238198, MeSH D046152, MONDO:0011719, OMIM 606764, HP:0100723.
Hereditary cancer-predisposing syndrome. Also called: Neoplastic Syndromes, Hereditary; Tumor predisposition; Hereditary Cancer Syndrome; Hereditary neoplastic syndrome. Identifiers: Orphanet 140162, MedGen C0027672, MeSH D009386, MONDO:0015356.
Ovarian cancer. Also called: OVARIAN CANCER, SOMATIC. Identifiers: Orphanet 213500, MedGen C1140680, MONDO:0008170, OMIM 167000.

Allele frequency attached by ClinVar (database versions not stated): TOPMed 0.00001.

Submissions (3):

Labcorp Genetics (formerly Invitae), Labcorp
Classification: Uncertain significance for Gastrointestinal stromal tumor. Last evaluated: 2024-08-19. Review status: criteria provided, single submitter. Criteria: Invitae Variant Classification Sherloc (09022015). Collection method: clinical testing. Allele origin: germline.
Comment: This sequence change replaces methionine, which is neutral and non-polar, with isoleucine, which is neutral and non-polar, at codon 289 of the KIT protein (p.Met289Ile). This variant is not present in population databases (gnomAD no frequency). This variant has not been reported in the literature in individuals affected with KIT-related conditions. ClinVar contains an entry for this variant (Variation ID: 857368). An algorithm developed to predict the effect of missense changes on protein structure and function (PolyPhen-2) suggests that this variant is likely to be tolerated. In summary, the available evidence is currently insufficient to determine the role of this variant in disease. Therefore, it has been classified as a Variant of Uncertain Significance.

Ambry Genetics
Classification: Uncertain significance for Hereditary cancer-predisposing syndrome. Last evaluated: 2022-02-23. Review status: criteria provided, single submitter. Criteria: Ambry Variant Classification Scheme 2023. Collection method: clinical testing. Allele origin: germline.
Comment: The p.M289I variant (also known as c.867G>C), located in coding exon 5 of the KIT gene, results from a G to C substitution at nucleotide position 867. The methionine at codon 289 is replaced by isoleucine, an amino acid with highly similar properties. This amino acid position is conserved. In addition, this alteration is predicted to be tolerated by in silico analysis. Since supporting evidence is limited at this time, the clinical significance of this alteration remains unclear.

Laboratory of Molecular Epidemiology of Birth Defects, West China Second University Hospital, Sichuan University
Classification: Benign for Ovarian cancer. Last evaluated: 2022-01-01. Review status: criteria provided, single submitter. Criteria: ACMG Guidelines, 2015. Collection method: clinical testing. Allele origin: germline. Affected: yes.